The following is an entry in ClinVar:

NM_003072.5(SMARCA4):c.4024_4030del (p.Glu1342fs)

Gene: SMARCA4 (SWI/SNF related BAF chromatin remodeling complex subunit ATPase 4; plus strand). Cytogenetic location: 19p13.2.
Variant type: Deletion.
Coding change: c.4024_4030del on transcript NM_003072.5 (MANE Select); coding-DNA positions 4024 to 4030, 7 bases deleted (GAGCTCC; older notation c.4024_4030delGAGCTCC).
Protein change: p.Glu1342fs; shifts the reading frame from glutamic acid 1342.
Molecular consequence: frameshift variant. On other transcripts: non-coding transcript variant (1).
Genome position (GRCh38, 1-based): chr19:11,034,986-11,034,992, GAGCTCC deleted; deleting any 7 consecutive bases within chr19:11,034,985-11,034,992 gives the same sequence; the c. name uses the placement nearest the transcript's 3' end. VCF-style (leftmost placement, unchanged base first): chr19-11034984-ACGAGCTC-A. GRCh37 (hg19) VCF-style: chr19-11145660-ACGAGCTC-A.
Other names: c.4024_4030del, p.Glu1342fs (NM_001128844.3, NM_001128849.3, NM_001387283.1); c.3925_3931del, p.Glu1309fs (NM_001128845.2, NM_001128846.2, NM_001128847.4 and 3 more transcripts); short protein forms E1309fs, E1342fs.
Identifiers: ClinVar variation 4728788 (VCV004728788.1).
Genomic context (GRCh38, chr19:11,034,984, plus strand): 5'-TGGACCGCAGGCGCGAGGAGGCCCGCAACCCCAAGCGGAAGCCGCGCCTCATGGAGGAGG[ACGAGCTC>A]CCCTCGTGGATCATCAAGGACGACGCGGAGGTGGAGCGGCTGACCTGTGAGGAGGAGGAG-3'

ClinVar aggregate classification (germline): Pathogenic (1 of 4 stars; one submission).

Conditions:
Rhabdoid tumor predisposition syndrome 2 (RTPS2). Identifiers: Orphanet 231108, Orphanet 69077, MedGen C2750074, MONDO:0013224, OMIM 613325.

Submission:

Labcorp Genetics (formerly Invitae), Labcorp
Classification: Pathogenic for Rhabdoid tumor predisposition syndrome 2. Last evaluated: 2025-10-13. Review status: criteria provided, single submitter. Criteria: Invitae Variant Classification Sherloc (09022015). Collection method: clinical testing. Allele origin: germline.
Comment: This sequence change creates a premature translational stop signal (p.Glu1342Profs*14) in the SMARCA4 gene. It is expected to result in an absent or disrupted protein product. Loss-of-function variants in SMARCA4 are known to be pathogenic (PMID: 24658001, 24658002). This variant is not present in population databases (gnomAD no frequency). This variant has not been reported in the literature in individuals affected with SMARCA4-related conditions. For these reasons, this variant has been classified as Pathogenic.

Literature cited by the submitters: PubMed 24658001; PubMed 24658002.